The following is an entry in ClinVar:

ClinVar aggregate classification (germline): Uncertain significance. Review status: criteria provided, multiple submitters, no conflicts (2 of 4 stars). 2 submissions from 2 submitters: Uncertain significance (2). Last evaluated 2026-06-17.

Conditions:
Hereditary cancer-predisposing syndrome. Also called: Tumor predisposition; Hereditary Cancer Syndrome; Hereditary neoplastic syndrome; Neoplastic Syndromes, Hereditary. Identifiers: Orphanet 140162, MedGen C0027672, MeSH D009386, MONDO:0015356.
Bloom syndrome (BLM). Also called: Bloom-Torre-Machacek syndrome. Identifiers: Orphanet 125, MedGen C0005859, MONDO:0008876, OMIM 210900.

Submissions (2):

Ambry Genetics
Classification: Uncertain significance for Hereditary cancer-predisposing syndrome. Last evaluated: 2026-06-17. Review status: criteria provided, single submitter. Criteria: Ambry Variant Classification Scheme 2023. Collection method: clinical testing. Allele origin: germline.
Comment: The p.L511Q variant (also known as c.1532T>A), located in coding exon 6 of the BLM gene, results from a T to A substitution at nucleotide position 1532. The leucine at codon 511 is replaced by glutamine, an amino acid with dissimilar properties. This amino acid position is conserved. In addition, this alteration is predicted to be tolerated by in silico analysis. Based on the available evidence, the clinical significance of this variant remains unclear.

Labcorp Genetics (formerly Invitae), Labcorp
Classification: Uncertain significance for Bloom syndrome. Last evaluated: 2020-03-19. Review status: criteria provided, single submitter. Criteria: Invitae Variant Classification Sherloc (09022015). Collection method: clinical testing. Allele origin: germline.
Comment: This sequence change replaces leucine with glutamine at codon 511 of the BLM protein (p.Leu511Gln). The leucine residue is weakly conserved and there is a moderate physicochemical difference between leucine and glutamine. This variant is not present in population databases (ExAC no frequency). This variant has not been reported in the literature in individuals with BLM-related conditions. Algorithms developed to predict the effect of missense changes on protein structure and function (SIFT, PolyPhen-2, Align-GVGD) all suggest that this variant is likely to be tolerated, but these predictions have not been confirmed by published functional studies and their clinical significance is uncertain. In summary, the available evidence is currently insufficient to determine the role of this variant in disease. Therefore, it has been classified as a Variant of Uncertain Significance.

NM_000057.4(BLM):c.1532T>A (p.Leu511Gln)

Gene: BLM (BLM RecQ like helicase; plus strand). Cytogenetic location: 15q26.1.
Variant type: single nucleotide variant.
Coding change: c.1532T>A on transcript NM_000057.4 (MANE Select); coding-DNA position 1532, T replaced by A.
Protein change: p.Leu511Gln; replaces leucine 511 with glutamine.
Molecular consequence: missense variant.
Genome position (GRCh38, 1-based): chr15:90,760,905, T>A. VCF-style: chr15-90760905-T-A. GRCh37 (hg19) VCF-style: chr15-91304135-T-A.
Other names: c.1532T>A (NM_000057.2); c.1532T>A, p.Leu511Gln (NM_001287246.2, NM_001287247.2); c.407T>A, p.Leu136Gln (NM_001287248.2); short protein forms L136Q, L511Q.
Identifiers: ClinVar variation 1061658 (VCV001061658.10), dbSNP rs1446287900, ClinGen allele CA393843262.